The following is an entry in ClinVar:

NM_021035.3(ZNFX1):c.2805-11C>G

Gene: ZNFX1 (zinc finger NFX1-type containing 1; minus strand). Cytogenetic location: 20q13.13.
Variant type: single nucleotide variant.
Coding change: c.2805-11C>G on transcript NM_021035.3 (MANE Select); 11 bases into the intron before coding-DNA position 2805, C replaced by G.
Molecular consequence: intron variant.
Genome position (GRCh38, 1-based): chr20:49,254,660, G>C on the plus strand (C>G on the coding strand, the complement: ZNFX1 is on the minus strand). VCF-style: chr20-49254660-G-C. GRCh37 (hg19) VCF-style: chr20-47871197-G-C.
Other names: NC_000020.10:g.47871197G>C.
Identifiers: ClinVar variation 2688234 (VCV002688234.3), dbSNP rs56335217, ClinGen allele CA9902177.

ClinVar aggregate classification (germline): Benign (1 of 4 stars; one submission).

Allele frequency attached by ClinVar (database versions not stated): 1000 Genomes Project 0.12760; 1000 Genomes Project 30x 0.13007; ExAC 0.17382; ESP Exome Variant Server 0.20091; gnomAD exomes 0.20145.

Submissions (10):

Unidad de Genómica Garrahan, Hospital de Pediatría Garrahan
Classification: Benign. Last evaluated: 2024-01-24. Review status: criteria provided, single submitter. Criteria: ACMG Guidelines, 2015. Collection method: clinical testing. Allele origin: germline. Affected: no. Observed: 30 variant alleles.
Comment: This variant is classified as Benign based on local population frequency. This variant was detected in 32% of patients studied by a panel of primary immunodeficiencies. Number of patients: 30. Only high quality variants are reported.

Dr. Peter K. Rogan Lab, Western University
No classification provided (evidence only). Condition: Malignant lymphoma, large B-cell, diffuse. Review status: no classification provided. Collection method: in vitro. Allele origin: not applicable. Functional consequence: retained intron. Not counted in ClinVar's aggregate classification.

Dr. Peter K. Rogan Lab, Western University
No classification provided (evidence only). Condition: Malignant lymphoma, large B-cell, diffuse. Review status: no classification provided. Collection method: in vitro. Allele origin: not applicable. Functional consequence: retained intron. Not counted in ClinVar's aggregate classification.

Dr. Peter K. Rogan Lab, Western University
No classification provided (evidence only). Condition: Malignant lymphoma, large B-cell, diffuse. Review status: no classification provided. Collection method: in vitro. Allele origin: not applicable. Functional consequence: retained intron. Not counted in ClinVar's aggregate classification.

Dr. Peter K. Rogan Lab, Western University
No classification provided (evidence only). Condition: Malignant lymphoma, large B-cell, diffuse. Review status: no classification provided. Collection method: in vitro. Allele origin: not applicable. Functional consequence: retained intron. Not counted in ClinVar's aggregate classification.

Dr. Peter K. Rogan Lab, Western University
No classification provided (evidence only). Condition: Malignant lymphoma, large B-cell, diffuse. Review status: no classification provided. Collection method: in vitro. Allele origin: not applicable. Functional consequence: retained intron. Not counted in ClinVar's aggregate classification.

Dr. Peter K. Rogan Lab, Western University
No classification provided (evidence only). Condition: Uterine carcinosarcoma. Review status: no classification provided. Collection method: in vitro. Allele origin: not applicable. Functional consequence: retained intron. Not counted in ClinVar's aggregate classification.

Dr. Peter K. Rogan Lab, Western University
No classification provided (evidence only). Condition: Uterine carcinosarcoma. Review status: no classification provided. Collection method: in vitro. Allele origin: not applicable. Functional consequence: retained intron. Not counted in ClinVar's aggregate classification.

Dr. Peter K. Rogan Lab, Western University
No classification provided (evidence only). Condition: Uterine carcinosarcoma. Review status: no classification provided. Collection method: in vitro. Allele origin: not applicable. Functional consequence: retained intron. Not counted in ClinVar's aggregate classification.

Dr. Peter K. Rogan Lab, Western University
No classification provided (evidence only). Condition: Uterine carcinosarcoma. Review status: no classification provided. Collection method: in vitro. Allele origin: not applicable. Functional consequence: retained intron. Not counted in ClinVar's aggregate classification.